The following is an entry in ClinVar:

NM_015629.4(PRPF31):c.1201A>T (p.Lys401Ter)

Gene: PRPF31 (pre-mRNA processing factor 31; plus strand). Cytogenetic location: 19q13.42.
Variant type: single nucleotide variant.
Coding change: c.1201A>T on transcript NM_015629.4 (MANE Select); coding-DNA position 1201, A replaced by T.
Protein change: p.Lys401Ter; replaces lysine 401 with a stop codon.
Molecular consequence: nonsense.
Genome position (GRCh38, 1-based): chr19:54,129,111, A>T. VCF-style: chr19-54129111-A-T. GRCh37 (hg19) VCF-style: chr19-54632486-A-T.
Other names: short protein forms K401*.
Identifiers: ClinVar variation 1454483 (VCV001454483.6), dbSNP rs2146450050, ClinGen allele CA407754605.

ClinVar aggregate classification (germline): Pathogenic (1 of 4 stars; one submission).

Submission:

Labcorp Genetics (formerly Invitae), Labcorp
Classification: Pathogenic. Last evaluated: 2020-10-30. Review status: criteria provided, single submitter. Criteria: Invitae Variant Classification Sherloc (09022015). Collection method: clinical testing. Allele origin: germline.
Comment: This sequence change creates a premature translational stop signal (p.Lys401*) in the PRPF31 gene. It is expected to result in an absent or disrupted protein product. Loss-of-function variants in PRPF31 are known to be pathogenic (PMID: 18317597, 23950152). This variant is not present in population databases (ExAC no frequency). This variant has not been reported in the literature in individuals with PRPF31-related conditions. For these reasons, this variant has been classified as Pathogenic.

Literature cited by the submitters: PubMed 18317597; PubMed 23950152.